The following is an entry in ClinVar:

NM_001384474.1(LOXHD1):c.6526G>A (p.Val2176Met)

Gene: LOXHD1 (lipoxygenase homology PLAT domains 1; minus strand). Cytogenetic location: 18q21.1.
Variant type: single nucleotide variant.
Coding change: c.6526G>A on transcript NM_001384474.1 (MANE Select); coding-DNA position 6526, G replaced by A.
Protein change: p.Val2176Met; replaces valine 2176 with methionine.
Molecular consequence: missense variant.
Genome position (GRCh38, 1-based): chr18:46,477,768, C>T on the plus strand (G>A on the coding strand, the complement: LOXHD1 is on the minus strand). VCF-style: chr18-46477768-C-T. GRCh37 (hg19) VCF-style: chr18-44057731-C-T.
Other names: c.3193G>A, p.Val1065Met (NM_001145472.3); c.1243G>A, p.Val415Met (NM_001145473.3, NM_001173129.2); c.2905G>A, p.Val969Met (NM_001308013.2); c.6340G>A, p.Val2114Met (NM_144612.7); short protein forms V1065M, V2114M, V2176M, V415M, V969M.
Identifiers: ClinVar variation 1301810 (VCV001301810.4), dbSNP rs745938801, ClinGen allele CA8952037.
Genomic context (GRCh38, chr18:46,477,768, plus strand): 5'-TGCGCATTTTCTGCTTCAGCTCCCGCTTGCCTGTGTCTCCGTTGGCCCCAAAGATGGTCA[C>T]GAAGACGTTGGCATCAGTGCCTGCCCCTGGCTCATAGCCTGTTGTCACGATGACTTCGTA-3'
Protein context (NP_001371403.1, residues 2166-2186): PGAGTDANVF[Val2176Met]TIFGANGDTG

ClinVar aggregate classification (germline): Uncertain significance. Review status: criteria provided, multiple submitters, no conflicts (2 of 4 stars). 3 submissions from 2 submitters: Uncertain significance (2). 1 of the submissions does not count toward it. Last evaluated 2023-10-06.

Conditions:
Autosomal recessive nonsyndromic hearing loss 77. Identifiers: Orphanet 90636, MedGen C2746083, MONDO:0013119, OMIM 613079.

Allele frequency attached by ClinVar (database versions not stated): gnomAD 0.00001; gnomAD exomes 0.00001 and 0.00002; TOPMed 0.00002; ExAC 0.00009.
gnomAD v4.1: 15 of 1,551,758 alleles (0.00097%); highest among the groups gnomAD compares: South Asian, 0.0059%; 1 homozygote.

Submissions (3):

Blueprint Genetics
Classification: Uncertain significance. Last evaluated: 2023-10-06. Review status: criteria provided, single submitter. Criteria: ACMG Guidelines, 2015. Collection method: clinical testing. Allele origin: germline.

Dubai Health Genomic Medicine Center, Dubai Health
Classification: Uncertain significance. Last evaluated: 2022-12-17. Review status: criteria provided, single submitter. Criteria: ACMG Guidelines, 2015. Collection method: clinical testing. Allele origin: germline. Affected: yes.

Dubai Health Genomic Medicine Center, Dubai Health
Classification: Uncertain significance for Autosomal recessive nonsyndromic hearing loss 77. Last evaluated: 2020-11-01. Review status: flagged submission. Criteria: ACMG Guidelines, 2015. Collection method: clinical testing. Allele origin: germline. Affected: yes. Not counted in ClinVar's aggregate classification.
Comment: The p.Val2114Met missense variant in LOXHD1 has not been previously reported in affected individuals but was identified in 4/188388 (0.0021% 0 homozygotes) total alleles in the Genome Aggregation Database (gnomAD). Computational prediction tools and conservation analyses do not provide evidence for or against pathogenicity. In summary additional information is needed to fully assess the clinical significance of this variant.
ClinVar note: Reason: This record appears to be redundant with a more recent record from the same submitter.
ClinVar note: Notes: SCV001984638 appears to be redundant with SCV002774978.